The following is an entry in ClinVar:

NM_001025389.1(AMPD3):c.-239G>C

Gene: AMPD3 (adenosine monophosphate deaminase 3; plus strand). Cytogenetic location: 11p15.4.
Variant type: single nucleotide variant.
Coding change: c.-239G>C on transcript NM_001025389.1; 239 bases upstream of the start codon, G replaced by C.
Molecular consequence: intron variant (on NM_001172431.2).
Genome position (GRCh38, 1-based): chr11:10,455,215, G>C. VCF-style: chr11-10455215-G-C. GRCh37 (hg19) VCF-style: chr11-10476762-G-C.
Other names: c.-278+4700G>C (NM_001172431.2); c.22+4172G>C (NM_000480.3).
Identifiers: ClinVar variation 302140 (VCV000302140.7), dbSNP rs899012, ClinGen allele CA10629747.
Genomic context (GRCh38, chr11:10,455,215, plus strand): 5'-AGGATTTCAACAGCACCACAGAAATAGCCATTTTGCTCATGGTTATTTCCCAGGACCACA[G>C]GATTTGCCTAAGTCACTGGGAGGCTATGTGTCTGTTCTGAGCCTTCCCACTCTCCTAAAG-3'

ClinVar aggregate classification (germline): Benign (1 of 4 stars; one submission).

Conditions:
Erythrocyte AMP deaminase deficiency. Identifiers: Orphanet 45, MedGen C2752073, OMIM 612874, MONDO:0020734.

Allele frequency attached by ClinVar (database versions not stated): 1000 Genomes Project 30x 0.99422; 1000 Genomes Project 0.99461; gnomAD exomes 0.99962; TOPMed 0.99485; gnomAD 0.99541.
gnomAD v4.1: 984,447 of 985,478 alleles (100%); highest among the groups gnomAD compares: Middle Eastern, 100%; 491,719 homozygotes.

Submission:

Illumina Laboratory Services, Illumina
Classification: Benign for Erythrocyte AMP deaminase deficiency. Last evaluated: 2018-01-12. Review status: criteria provided, single submitter. Criteria: ICSL Variant Classification Criteria 13 December 2019. Collection method: clinical testing. Allele origin: germline.
Comment: This variant was observed in the ICSL laboratory as part of a predisposition screen in an ostensibly healthy population. It had not been previously curated by ICSL or reported in the Human Gene Mutation Database (HGMD: prior to June 1st, 2018), and was therefore a candidate for classification through an automated scoring system. Utilizing variant allele frequency, disease prevalence and penetrance estimates, and inheritance mode, an automated score was calculated to assess if this variant is too frequent to cause the disease. Based on the score and internal cut-off values, a variant classified as benign is not then subjected to further curation. The score for this variant resulted in a classification of benign for this disease.